The following is an entry in ClinVar:

ClinVar aggregate classification (germline): Benign (1 of 4 stars; one submission).

Conditions:
Keutel syndrome (KTLS). Identifiers: Orphanet 85202, MedGen C1855607, MONDO:0009495, OMIM 245150.

Allele frequency attached by ClinVar (database versions not stated): TOPMed 0.00154; gnomAD 0.00163 and 0.00319; gnomAD exomes 0.00829; 1000 Genomes Project 0.01418; 1000 Genomes Project 30x 0.01421.

Submission:

Illumina Laboratory Services, Illumina
Classification: Benign for Keutel syndrome. Last evaluated: 2018-01-13. Review status: criteria provided, single submitter. Criteria: ICSL Variant Classification Criteria 13 December 2019. Collection method: clinical testing. Allele origin: germline.
Comment: This variant was observed in the ICSL laboratory as part of a predisposition screen in an ostensibly healthy population. It had not been previously curated by ICSL or reported in the Human Gene Mutation Database (HGMD: prior to June 1st, 2018), and was therefore a candidate for classification through an automated scoring system. Utilizing variant allele frequency, disease prevalence and penetrance estimates, and inheritance mode, an automated score was calculated to assess if this variant is too frequent to cause the disease. Based on the score and internal cut-off values, a variant classified as benign is not then subjected to further curation. The score for this variant resulted in a classification of benign for this disease.

NM_000900.5(MGP):c.*339T>C

Genes: MGP (matrix Gla protein; minus strand), LOC126861465 (CDK7 strongly-dependent group 2 enhancer GRCh37_chr12:15033676-15034875; plus strand). Cytogenetic location: 12p12.3.
Variant type: single nucleotide variant.
Coding change: c.*339T>C on transcript NM_000900.5 (MANE Select); 339 bases downstream of the stop codon, T replaced by C.
Molecular consequence: 3 prime UTR variant.
Genome position (GRCh38, 1-based): chr12:14,881,800, A>G on the plus strand (T>C on the coding strand, the complement: MGP is on the minus strand). VCF-style: chr12-14881800-A-G. GRCh37 (hg19) VCF-style: chr12-15034734-A-G.
Other names: c.*339T>C (NM_001190839.3).
Identifiers: ClinVar variation 307764 (VCV000307764.5), dbSNP rs150038879, ClinGen allele CA10641430.